The following is an entry in ClinVar:

NM_182961.4(SYNE1):c.22504G>A (p.Ala7502Thr)

Gene: SYNE1 (spectrin repeat containing nuclear envelope protein 1; minus strand). Cytogenetic location: 6q25.2.
Variant type: single nucleotide variant.
Coding change: c.22504G>A on transcript NM_182961.4 (MANE Select); coding-DNA position 22504, G replaced by A.
Protein change: p.Ala7502Thr; replaces alanine 7502 with threonine.
Molecular consequence: missense variant.
Genome position (GRCh38, 1-based): chr6:152,211,579, C>T on the plus strand (G>A on the coding strand, the complement: SYNE1 is on the minus strand). VCF-style: chr6-152211579-C-T. GRCh37 (hg19) VCF-style: chr6-152532714-C-T.
Other names: c.22291G>A, p.Ala7431Thr (NM_033071.5); short protein forms A7431T, A7502T.
Identifiers: ClinVar variation 3028953 (VCV003028953.2), dbSNP rs1242612278, ClinGen allele CA366098388.

ClinVar aggregate classification (germline): Uncertain significance (0 of 4 stars; one submission).

Conditions:
SYNE1-related disorder. Also called: SYNE1-related disease; SYNE1-related condition; SYNE1-related disorders.

Allele frequency attached by ClinVar (database versions not stated): TOPMed 0.00001; gnomAD exomes below 0.00001; gnomAD 0.00001.
gnomAD v4.1: 3 of 1,613,028 alleles (0.00019%); highest among the groups gnomAD compares: Non-Finnish European, 0.00025%; no homozygotes.

Submission:

PreventionGenetics, part of Exact Sciences
Classification: Uncertain significance for SYNE1-related condition. Last evaluated: 2023-12-28. Review status: no assertion criteria provided. Collection method: clinical testing. Allele origin: germline.
Comment: The SYNE1 c.22291G>A variant is predicted to result in the amino acid substitution p.Ala7431Thr. To our knowledge, this variant has not been reported in the literature or in a large population database, indicating this variant is rare. At this time, the clinical significance of this variant is uncertain due to the absence of conclusive functional and genetic evidence.